The following is an entry in ClinVar:

ClinVar aggregate classification (germline): Uncertain significance. Review status: criteria provided, multiple submitters, no conflicts (2 of 4 stars). 4 submissions from 4 submitters: Uncertain significance (4). Last evaluated 2024-04-24.

Conditions:
Inborn genetic diseases. Identifiers: MedGen C0950123, MeSH D030342.
Oculodentodigital dysplasia, autosomal recessive. Also called: OCULODENTOOSSEOUS DYSPLASIA, AUTOSOMAL RECESSIVE; ODDD, AUTOSOMAL RECESSIVE; ODOD, AUTOSOMAL RECESSIVE. Identifiers: Orphanet 2710, MedGen C2749477, MONDO:0009768, OMIM 257850.

Allele frequency attached by ClinVar (database versions not stated): ExAC 0.00001.
gnomAD v4.1: 2 of 1,613,990 alleles (0.00012%); highest among the groups gnomAD compares: East Asian, 0.0022%; no homozygotes.

Submissions (4):

Ambry Genetics
Classification: Uncertain significance for Inborn genetic diseases. Last evaluated: 2024-04-24. Review status: criteria provided, single submitter. Criteria: Ambry Variant Classification Scheme 2023. Collection method: clinical testing. Allele origin: germline.

Labcorp Genetics (formerly Invitae), Labcorp
Classification: Uncertain significance for Oculodentodigital dysplasia, autosomal recessive. Last evaluated: 2021-09-01. Review status: criteria provided, single submitter. Criteria: Invitae Variant Classification Sherloc (09022015). Collection method: clinical testing. Allele origin: germline.

GeneDx
Classification: Uncertain significance. Last evaluated: 2021-03-30. Review status: criteria provided, single submitter. Criteria: GeneDx Variant Classification Process June 2021. Collection method: clinical testing. Allele origin: germline. Affected: yes.
Comment: In silico analysis supports that this missense variant does not alter protein structure/function; Has not been previously published as pathogenic or benign to our knowledge

Blueprint Genetics
Classification: Uncertain significance. Last evaluated: 2019-10-08. Review status: criteria provided, single submitter. Criteria: ACMG Guidelines, 2015. Collection method: clinical testing. Allele origin: germline.

NM_000165.5(GJA1):c.896G>T (p.Arg299Leu)

Gene: GJA1 (gap junction protein alpha 1; plus strand). Cytogenetic location: 6q22.31.
Variant type: single nucleotide variant.
Coding change: c.896G>T on transcript NM_000165.5 (MANE Select); coding-DNA position 896, G replaced by T.
Protein change: p.Arg299Leu; replaces arginine 299 with leucine.
Molecular consequence: missense variant.
Genome position (GRCh38, 1-based): chr6:121,447,743, G>T. VCF-style: chr6-121447743-G-T. GRCh37 (hg19) VCF-style: chr6-121768889-G-T.
Other names: short protein forms R299L.
Identifiers: ClinVar variation 645312 (VCV000645312.8), dbSNP rs778457698, ClinGen allele CA3981780.